The following is an entry in ClinVar:

NM_001354631.1(REELD1):c.27C>A (p.Gly9=)

Gene: REELD1 (reeler domain containing 1; plus strand). Cytogenetic location: 4q31.22.
Variant type: single nucleotide variant.
Coding change: c.27C>A on transcript NM_001354631.1 (MANE Select); coding-DNA position 27, C replaced by A.
Protein change: p.Gly9=; no amino-acid change (glycine 9 retained).
Molecular consequence: synonymous variant.
Genome position (GRCh38, 1-based): chr4:146,216,979, C>A. VCF-style: chr4-146216979-C-A. GRCh37 (hg19) VCF-style: chr4-147138131-C-A.
Other names: c.27C>A, p.Gly9= (NM_001371071.1).
Identifiers: ClinVar variation 5040342 (VCV005040342.1).

ClinVar aggregate classification (germline): Likely benign (1 of 4 stars; one submission).

Submission:

CeGaT Center for Human Genetics Tuebingen
Classification: Likely benign. Last evaluated: 2026-07-01. Review status: criteria provided, single submitter. Criteria: CeGaT Center For Human Genetics Tuebingen Variant Classification Criteria Version 2. Collection method: clinical testing. Allele origin: germline. Affected: yes. Observed: 1 variant allele.
Comment: REELD1: PM2:Supporting, BP4, BP7